The following is an entry in ClinVar:

ClinVar aggregate classification (germline): Pathogenic (1 of 4 stars; one submission).

Conditions:
Bleeding disorder, platelet-type, 21 (BDPLT21). Identifiers: MedGen C4479515, MONDO:0054577, OMIM 617443.

Submission:

ISTH-SSC Genomics in Thrombosis and Hemostasis, KU Leuven, Center for Molecular and Vascular Biology
Classification: Pathogenic for Bleeding disorder, platelet-type, 21. Review status: criteria provided, single submitter. Criteria: ACMG Guidelines, 2015. Collection method: research. Allele origin: unknown. Inheritance: Autosomal recessive inheritance. Affected: yes.
Comment: Gold Variant submitter: Dr Karyn Megy, NIHR Bioresource - Cambridge University, UK

Literature cited by the submitters: PubMed 34355501.

Single allele

Gene: FLI1 (Fli-1 proto-oncogene, ETS transcription factor; plus strand). Cytogenetic location: 11q24.3.
Variant type: Deletion.
Identifiers: ClinVar variation 1333008 (VCV001333008.2).